The following is an entry in ClinVar:

NM_004589.4(SCO1):c.140G>A (p.Arg47Gln)

Genes: SCO1 (synthesis of cytochrome C oxidase 1; minus strand), LOC112529895 (Sharpr-MPRA regulatory region 5903; plus strand). Cytogenetic location: 17p13.1.
Variant type: single nucleotide variant.
Coding change: c.140G>A on transcript NM_004589.4 (MANE Select); coding-DNA position 140, G replaced by A.
Protein change: p.Arg47Gln; replaces arginine 47 with glutamine.
Molecular consequence: missense variant.
Genome position (GRCh38, 1-based): chr17:10,697,368, C>T on the plus strand (G>A on the coding strand, the complement: SCO1 is on the minus strand). VCF-style: chr17-10697368-C-T. GRCh37 (hg19) VCF-style: chr17-10600685-C-T.
Other names: short protein forms R47Q.
Identifiers: ClinVar variation 889502 (VCV000889502.12), dbSNP rs746265672, ClinGen allele CA8393701.
Genomic context (GRCh38, chr17:10,697,368, plus strand): 5'-AGGGGCCGGGTTCCCAGGCAATAGCCAGGGCGCCCCGAGGCACGCCACGCCTCCGCTTGC[C>T]GCGCGCAGAACTGCCTCAGCAAGACTCTCGCAGTCCCCTCGGCTGGGCCCCAAAACTCGA-3'
Protein context (NP_004580.1, residues 37-57): ARVLLRQFCA[Arg47Gln]QAEAWRASGR

ClinVar aggregate classification (germline): Uncertain significance. Review status: criteria provided, multiple submitters, no conflicts (2 of 4 stars). 6 submissions from 5 submitters: Uncertain significance (6). Last evaluated 2025-06-03.

Conditions:
Inborn genetic diseases. Identifiers: MedGen C0950123, MeSH D030342.
Mitochondrial complex IV deficiency, nuclear type 4. Also called: Mitochondrial complex 4 deficiency, nuclear type 4. Identifiers: MedGen C5436683, MONDO:0033636, OMIM 619048.
Leigh syndrome (NULS). Also called: Leigh's syndrome; Leigh Disease; Subacute necrotizing encephalopathy; Necrotizing encephalopathy infantile subacute of Leigh; LEIGH SYNDROME, NUCLEAR; Leigh's necrotizing encephalopathy. Identifiers: Orphanet 506, MedGen C2931891, MONDO:0009723, OMIM 256000.
Mitochondrial complex IV deficiency, nuclear type 1 (MC4DN1). Also called: COX DEFICIENCY; Mitochondrial complex IV deficiency; Complex 4 mitochondrial respiratory chain deficiency; Deficiency of mitochondrial respiratory chain complex4; Complex IV deficiency. Identifiers: MedGen C5435656, MONDO:0700250, OMIM 220110. Disease mechanism: loss of function.

Allele frequency attached by ClinVar (database versions not stated): gnomAD 0.00003; TOPMed 0.00005; ExAC 0.00008.
gnomAD v4.1: 80 of 1,595,474 alleles (0.005%); highest among the groups gnomAD compares: Non-Finnish European, 0.0066%; no homozygotes.

Submissions (6):

Ambry Genetics
Classification: Uncertain significance for Inborn genetic diseases. Last evaluated: 2025-06-03. Review status: criteria provided, single submitter. Criteria: Ambry Variant Classification Scheme 2023. Collection method: clinical testing. Allele origin: germline.

Labcorp Genetics (formerly Invitae), Labcorp
Classification: Uncertain significance. Last evaluated: 2024-10-23. Review status: criteria provided, single submitter. Criteria: Invitae Variant Classification Sherloc (09022015). Collection method: clinical testing. Allele origin: germline.
Comment: This sequence change replaces arginine, which is basic and polar, with glutamine, which is neutral and polar, at codon 47 of the SCO1 protein (p.Arg47Gln). The frequency data for this variant in the population databases is considered unreliable, as metrics indicate poor data quality at this position in the gnomAD database. This variant has not been reported in the literature in individuals affected with SCO1-related conditions. ClinVar contains an entry for this variant (Variation ID: 889502). An algorithm developed to predict the effect of missense changes on protein structure and function outputs the following: PolyPhen-2: "Benign". The glutamine amino acid residue is found in multiple mammalian species, which suggests that this missense change does not adversely affect protein function. In summary, the available evidence is currently insufficient to determine the role of this variant in disease. Therefore, it has been classified as a Variant of Uncertain Significance.

Department of Pathology and Laboratory Medicine, Sinai Health System
Classification: Uncertain significance for Mitochondrial complex IV deficiency, nuclear type 4. Last evaluated: 2022-05-20. Review status: criteria provided, single submitter. Criteria: ACMG Guidelines, 2015. Collection method: research. Allele origin: germline.

Fulgent Genetics
Classification: Uncertain significance for Mitochondrial complex IV deficiency, nuclear type 4. Last evaluated: 2021-12-07. Review status: criteria provided, single submitter. Criteria: ACMG Guidelines, 2015. Collection method: clinical testing. Allele origin: unknown.

Illumina Laboratory Services, Illumina
Classification: Uncertain significance for Leigh syndrome. Last evaluated: 2018-01-12. Review status: criteria provided, single submitter. Criteria: ICSL Variant Classification Criteria 13 December 2019. Collection method: clinical testing. Allele origin: germline.

Illumina Laboratory Services, Illumina
Classification: Uncertain significance for Mitochondrial complex IV deficiency, nuclear type 1. Last evaluated: 2018-01-12. Review status: criteria provided, single submitter. Criteria: ICSL Variant Classification Criteria 13 December 2019. Collection method: clinical testing. Allele origin: germline.